The following is an entry in ClinVar:

NM_015512.5(DNAH1):c.469A>G (p.Thr157Ala)

Gene: DNAH1 (dynein axonemal heavy chain 1; plus strand). Cytogenetic location: 3p21.1.
Variant type: single nucleotide variant.
Coding change: c.469A>G on transcript NM_015512.5 (MANE Select); coding-DNA position 469, A replaced by G.
Protein change: p.Thr157Ala; replaces threonine 157 with alanine.
Molecular consequence: missense variant.
Genome position (GRCh38, 1-based): chr3:52,326,202, A>G. VCF-style: chr3-52326202-A-G. GRCh37 (hg19) VCF-style: chr3-52360218-A-G.
Other names: c.469A>G (NM_015512.4); short protein forms T157A.
Identifiers: ClinVar variation 2939941 (VCV002939941.4), dbSNP rs2471130894, ClinGen allele CA353087161.
Genomic context (GRCh38, chr3:52,326,202, plus strand): 5'-GGAAGCTTTGAGGTTCCTGAAGACTTCCAGGAGCGCATGGAGCAGCAGTGCATCGGGTCC[A>G]CCACCCGGCTGCTCGCCCAGACTGACTTCCCACTGCAGGCCTACGAGCCCAAGATGCAGG-3'
Protein context (NP_056327.4, residues 147-167): ERMEQQCIGS[Thr157Ala]TRLLAQTDFP

ClinVar aggregate classification (germline): Uncertain significance. Review status: criteria provided, multiple submitters, no conflicts (2 of 4 stars). 2 submissions from 2 submitters: Uncertain significance (2). Last evaluated 2025-04-28.

Conditions:
Primary ciliary dyskinesia. Also called: Ciliary dyskinesia. Identifiers: Orphanet 244, MedGen C0008780, MONDO:0016575, HP:0012265.
Spermatogenic failure 18. Identifiers: MedGen C4539783, MONDO:0054615, OMIM 617576.
Ciliary dyskinesia, primary, 37 (CILD37). Also called: CILIARY DYSKINESIA, PRIMARY, 37, WITH OR WITHOUT SITUS INVERSUS. Identifiers: MedGen C4539798, MONDO:0033204, OMIM 617577.

Allele frequency attached by ClinVar (database versions not stated): gnomAD exomes below 0.00001.
gnomAD v4.1: 2 of 1,612,972 alleles (0.00012%); highest among the groups gnomAD compares: Non-Finnish European, 0.00017%; no homozygotes.

Submissions (2):

Labcorp Genetics (formerly Invitae), Labcorp
Classification: Uncertain significance for Ciliary dyskinesia, primary, 37; Spermatogenic failure 18. Last evaluated: 2025-04-28. Review status: criteria provided, single submitter. Criteria: Invitae Variant Classification Sherloc (09022015). Collection method: clinical testing. Allele origin: germline.
Comment: This sequence change replaces threonine, which is neutral and polar, with alanine, which is neutral and non-polar, at codon 157 of the DNAH1 protein (p.Thr157Ala). This variant is not present in population databases (gnomAD no frequency). This variant has not been reported in the literature in individuals affected with DNAH1-related conditions. ClinVar contains an entry for this variant (Variation ID: 2939941). Invitae Evidence Modeling of protein sequence and biophysical properties (such as structural, functional, and spatial information, amino acid conservation, physicochemical variation, residue mobility, and thermodynamic stability) indicates that this missense variant is not expected to disrupt DNAH1 protein function with a negative predictive value of 80%. In summary, the available evidence is currently insufficient to determine the role of this variant in disease. Therefore, it has been classified as a Variant of Uncertain Significance.

Molecular Genetics McLendon Clinical Laboratories, University of North Carolina at Chapel Hill
Classification: Uncertain significance for Primary ciliary dyskinesia. Last evaluated: 2023-09-26. Review status: criteria provided, single submitter. Criteria: ACMG Guidelines, 2015. Collection method: clinical testing. Allele origin: germline.